The following is an entry in ClinVar:

ClinVar aggregate classification (germline): Uncertain significance (1 of 4 stars; one submission).

gnomAD v4.1: 3 of 1,613,888 alleles (0.00019%); highest among the groups gnomAD compares: Non-Finnish European, 0.00025%; no homozygotes.

Submission:

Labcorp Genetics (formerly Invitae), Labcorp
Classification: Uncertain significance. Last evaluated: 2025-07-06. Review status: criteria provided, single submitter. Criteria: Invitae Variant Classification Sherloc (09022015). Collection method: clinical testing. Allele origin: germline.
Comment: This sequence change replaces asparagine, which is neutral and polar, with aspartic acid, which is acidic and polar, at codon 8 of the KANK1 protein (p.Asn8Asp). This variant is present in population databases (rs764534777, gnomAD 0.0009%). This variant has not been reported in the literature in individuals affected with KANK1-related conditions. An algorithm developed to predict the effect of missense changes on protein structure and function (PolyPhen-2) suggests that this variant is likely to be tolerated. In summary, the available evidence is currently insufficient to determine the role of this variant in disease. Therefore, it has been classified as a Variant of Uncertain Significance.

NM_015158.5(KANK1):c.22A>G (p.Asn8Asp)

Genes: KANK1 (KN motif and ankyrin repeat domains 1; plus strand), KANK1-AS1 (KANK1 antisense RNA 1; minus strand). Cytogenetic location: 9p24.3.
Variant type: single nucleotide variant.
Coding change: c.22A>G on transcript NM_015158.5 (MANE Select); coding-DNA position 22, A replaced by G.
Protein change: p.Asn8Asp; replaces asparagine 8 with aspartic acid.
Molecular consequence: missense variant. On other transcripts: 5 prime UTR variant (1).
Genome position (GRCh38, 1-based): chr9:676,994, A>G. VCF-style: chr9-676994-A-G. GRCh37 (hg19) VCF-style: chr9-676994-A-G.
Other names: c.22A>G, p.Asn8Asp (NM_001256876.3, NM_001256877.3, NM_001354331.2 and 3 more transcripts); c.-486A>G (NM_001354333.2); short protein forms N8D.
Identifiers: ClinVar variation 4698312 (VCV004698312.1).
Genomic context (GRCh38, chr9:676,994, plus strand): 5'-CTCACTCCTTTCTGGATCTCTCATTGGACTCAAGCCAGCATGGCTCACACCACAAAGGTT[A>G]ACGGCAGTGCCTCAGGTAACCCTGTGCTCTGGAGTTTGTGTGTTAAATGTATGTCTTTTC-3'
Protein context (NP_055973.2, residues 1-18): MAHTTKV[Asn8Asp]GSASGKAGDI